The following is an entry in ClinVar:

ClinVar aggregate classification (germline): Likely benign. Review status: criteria provided, multiple submitters, no conflicts (2 of 4 stars). 2 submissions from 2 submitters: Likely benign (2). Last evaluated 2025-05-29.

Conditions:
Tuberous sclerosis 2 (TSC2). Identifiers: Orphanet 805, MedGen C1860707, MONDO:0013199, OMIM 613254.

gnomAD v4.1: 1 of 1,612,862 alleles (0.000062%); highest among the groups gnomAD compares: Non-Finnish European, 0.000085%; no homozygotes.

Submissions (2):

Myriad Genetics, Inc.
Classification: Likely benign for Tuberous sclerosis 2. Last evaluated: 2025-05-29. Review status: criteria provided, single submitter. Criteria: Myriad Autosomal Dominant, Autosomal Recessive and X-Linked Classification Criteria (2023). Collection method: clinical testing. Allele origin: unknown.
Comment: This variant is considered likely benign. This variant is intronic and is not expected to impact mRNA splicing.

Labcorp Genetics (formerly Invitae), Labcorp
Classification: Likely benign for Tuberous sclerosis 2. Last evaluated: 2025-05-18. Review status: criteria provided, single submitter. Criteria: Invitae Variant Classification Sherloc (09022015). Collection method: clinical testing. Allele origin: germline.

NM_000548.5(TSC2):c.3611-13G>A

Gene: TSC2 (TSC complex subunit 2; plus strand). Cytogenetic location: 16p13.3.
Variant type: single nucleotide variant.
Coding change: c.3611-13G>A on transcript NM_000548.5 (MANE Select); 13 bases into the intron before coding-DNA position 3611, G replaced by A.
Molecular consequence: intron variant.
Genome position (GRCh38, 1-based): chr16:2,081,582, G>A. VCF-style: chr16-2081582-G-A. GRCh37 (hg19) VCF-style: chr16-2131583-G-A.
Other names: c.3611-13G>A (NM_001114382.3); c.3482-13G>A (NM_021055.3, NM_001370405.1, NM_001363528.2); c.3479-13G>A (NM_001370404.1, NM_001077183.3); c.3371-13G>A (NM_001318827.2); c.2879-13G>A (NM_001318831.2); c.3335-13G>A (NM_001318829.2); c.3512-13G>A (NM_001318832.2).
Identifiers: ClinVar variation 1641393 (VCV001641393.9), dbSNP rs2151480264, ClinGen allele CA2573151522.